The following is an entry in ClinVar:

NM_006154.4(NEDD4):c.291+7911A>G

Gene: NEDD4 (NEDD4 E3 ubiquitin protein ligase; minus strand). Cytogenetic location: 15q21.3.
Variant type: single nucleotide variant.
Coding change: c.291+7911A>G on transcript NM_006154.4 (MANE Select); 7911 bases into the intron after coding-DNA position 291, A replaced by G.
Molecular consequence: intron variant. On other transcripts: missense variant (4), non-coding transcript variant (1).
Genome position (GRCh38, 1-based): chr15:55,916,735, T>C on the plus strand (A>G on the coding strand, the complement: NEDD4 is on the minus strand). VCF-style: chr15-55916735-T-C. GRCh37 (hg19) VCF-style: chr15-56208933-T-C.
Other names: c.97A>G, p.Met33Val (NM_001284338.2, NM_001284339.1, NM_001284340.1 and 1 more transcripts); c.-151+7911A>G (NM_001329212.2); short protein forms M33V.
Identifiers: ClinVar variation 1296895 (VCV001296895.3), dbSNP rs1912403, ClinGen allele CA7577678.

ClinVar aggregate classification (germline): Benign. Review status: criteria provided, multiple submitters, no conflicts (2 of 4 stars). 2 submissions from 2 submitters: Benign (2). Last evaluated 2019-01-18.

Allele frequency attached by ClinVar (database versions not stated): 1000 Genomes Project 30x 0.03186; 1000 Genomes Project 0.03195; TOPMed 0.06125; ESP Exome Variant Server 0.06555; gnomAD 0.06632 and 0.06748; gnomAD exomes 0.07381 and 0.08757; ExAC 0.07387.
gnomAD v4.1: 137,502 of 1,614,000 alleles (8.5%); highest among the groups gnomAD compares: Non-Finnish European, 9.7%; 6,494 homozygotes.

Submissions (2):

GeneDx
Classification: Benign. Last evaluated: 2019-01-18. Review status: criteria provided, single submitter. Criteria: GeneDx Variant Classification Process June 2021. Collection method: clinical testing. Allele origin: germline. Affected: yes.
Comment: This variant is associated with the following publications: (PMID: 30180840)

Breakthrough Genomics
Classification: Benign. Review status: criteria provided, single submitter. Criteria: ACMG Guidelines, 2015. Collection method: not provided. Allele origin: germline. Inheritance: Unknown mechanism. Affected: yes.